The following is an entry in ClinVar:

NM_152906.7(TANGO2):c.57-1G>C

Gene: TANGO2 (transport and golgi organization 2 homolog; plus strand). Cytogenetic location: 22q11.21.
Variant type: single nucleotide variant.
Coding change: c.57-1G>C on transcript NM_152906.7 (MANE Select); the canonical splice acceptor site of the intron before coding-DNA position 57, G replaced by C.
Molecular consequence: splice acceptor variant.
Genome position (GRCh38, 1-based): chr22:20,043,354, G>C. VCF-style: chr22-20043354-G-C. GRCh37 (hg19) VCF-style: chr22-20030877-G-C.
Other names: c.57-1G>C (NM_001283106.3, NM_001322163.2, NM_001283179.3 and 10 more transcripts); c.-123-1G>C (NM_001322174.2, NM_001322172.2, NM_001322160.2 and 9 more transcripts); c.180-1G>C (NM_001322143.2, NM_001322145.2, NM_001322141.2 and 5 more transcripts).
Identifiers: ClinVar variation 1810218 (VCV001810218.6), dbSNP rs780264323, ClinGen allele CA10106188.

ClinVar aggregate classification (germline): Pathogenic/Likely pathogenic. Review status: criteria provided, multiple submitters, no conflicts (2 of 4 stars). 3 submissions from 3 submitters: Pathogenic (1); Likely pathogenic (2). Last evaluated 2024-10-25.

Conditions:
Recurrent metabolic encephalomyopathic crises-rhabdomyolysis-cardiac arrhythmia-intellectual disability syndrome (MECRCN). Also called: TANGO2 Deficiency; METABOLIC CRISES, RECURRENT, WITH RHABDOMYOLYSIS, CARDIAC ARRHYTHMIAS, AND NEURODEGENERATION; Metabolic encephalomyopathic crises, recurrent, with rhabdomyolysis, cardiac arrhythmias, and neurodegeneration. Identifiers: Orphanet 480864, MedGen C5567524, MONDO:0018820, OMIM 616878.

Allele frequency attached by ClinVar (database versions not stated): gnomAD 0.00001; ExAC 0.00002.
gnomAD v4.1: 20 of 1,610,884 alleles (0.0012%); highest among the groups gnomAD compares: South Asian, 0.022%; no homozygotes.

Submissions (3):

GeneDx
Classification: Pathogenic. Last evaluated: 2024-10-25. Review status: criteria provided, single submitter. Criteria: GeneDx Variant Classification Process June 2021. Collection method: clinical testing. Allele origin: germline. Affected: yes.
Comment: Canonical splice site variant predicted to result in a null allele in a gene for which loss of function is a known mechanism of disease; This variant is associated with the following publications: (PMID: 36703223, 35568137, 36473599)

Dubai Health Genomic Medicine Center, Dubai Health
Classification: Likely pathogenic for Metabolic encephalomyopathic crises, recurrent, with rhabdomyolysis, cardiac arrhythmias, and neurodegeneration. Last evaluated: 2024-10-04. Review status: criteria provided, single submitter. Criteria: ACMG Guidelines, 2015. Collection method: research. Allele origin: germline. Affected: yes.
Comment: PVS1, PM2

Labcorp Genetics (formerly Invitae), Labcorp
Classification: Likely pathogenic. Last evaluated: 2024-02-24. Review status: criteria provided, single submitter. Criteria: Invitae Variant Classification Sherloc (09022015). Collection method: clinical testing. Allele origin: germline.
Comment: This sequence change affects an acceptor splice site in intron 2 of the TANGO2 gene. It is expected to disrupt RNA splicing. Variants that disrupt the donor or acceptor splice site typically lead to a loss of protein function (PMID: 16199547), and loss-of-function variants in TANGO2 are known to be pathogenic (PMID: 26805781, 26805782). This variant is present in population databases (rs780264323, gnomAD 0.02%). This variant has not been reported in the literature in individuals affected with TANGO2-related conditions. ClinVar contains an entry for this variant (Variation ID: 1810218). Algorithms developed to predict the effect of sequence changes on RNA splicing suggest that this variant may disrupt the consensus splice site. In summary, the currently available evidence indicates that the variant is pathogenic, but additional data are needed to prove that conclusively. Therefore, this variant has been classified as Likely Pathogenic.

Literature cited by the submitters: PubMed 16199547 (cited by Labcorp Genetics (formerly Invitae), Labcorp); PubMed 26805781 (cited by Labcorp Genetics (formerly Invitae), Labcorp); PubMed 26805782 (cited by Labcorp Genetics (formerly Invitae), Labcorp).